The following is an entry in ClinVar:

NM_000535.7(PMS2):c.-24C>G

Gene: PMS2 (PMS1 homolog 2, mismatch repair system component; minus strand). Cytogenetic location: 7p22.1.
Variant type: single nucleotide variant.
Coding change: c.-24C>G on transcript NM_000535.7 (MANE Select); 24 bases upstream of the start codon, C replaced by G.
Molecular consequence: 5 prime UTR variant. On other transcripts: non-coding transcript variant (1).
Genome position (GRCh38, 1-based): chr7:6,009,043, G>C on the plus strand (C>G on the coding strand, the complement: PMS2 is on the minus strand). VCF-style: chr7-6009043-G-C. GRCh37 (hg19) VCF-style: chr7-6048674-G-C.
Other names: c.-424C>G (NM_001322003.2, NM_001322013.2); c.-289C>G (NM_001322004.2, NM_001322010.2); c.-619C>G (NM_001322005.2); c.-24C>G (NM_001322006.2, NM_001322014.2); c.-239C>G (NM_001322007.2); c.-99C>G (NM_001322008.2); c.-614C>G (NM_001322009.2); c.-908C>G (NM_001322011.2); and 2 more.
Identifiers: ClinVar variation 385338 (VCV000385338.6), dbSNP rs748909615, ClinGen allele CA048438.

ClinVar aggregate classification (germline): Likely benign. Review status: criteria provided, multiple submitters, no conflicts (2 of 4 stars). 3 submissions from 3 submitters: Likely benign (2). 1 of the submissions does not count toward it. Last evaluated 2025-12-29.

Allele frequency attached by ClinVar (database versions not stated): gnomAD 0.00001; TOPMed 0.00002.
gnomAD v4.1: 23 of 1,612,090 alleles (0.0014%); highest among the groups gnomAD compares: Admixed American, 0.01%; no homozygotes.

Submissions (3):

Center for Genomic Medicine, Rigshospitalet, Copenhagen University Hospital
Classification: Likely benign. Last evaluated: 2025-12-29. Review status: criteria provided, single submitter. Criteria: ACMG Guidelines, 2015. Collection method: clinical testing. Allele origin: germline.

GeneDx
Classification: Likely benign. Last evaluated: 2016-04-05. Review status: criteria provided, single submitter. Criteria: GeneDx Variant Classification (06012015). Collection method: clinical testing. Allele origin: germline. Affected: yes.
Comment: This variant is considered likely benign or benign based on one or more of the following criteria: it is a conservative change, it occurs at a poorly conserved position in the protein, it is predicted to be benign by multiple in silico algorithms, and/or has population frequency not consistent with disease.

Mayo Clinic Laboratories, Mayo Clinic
Classification: Likely benign. Review status: no assertion criteria provided. Collection method: clinical testing. Allele origin: unknown. Not counted in ClinVar's aggregate classification.